The following is an entry in ClinVar:

NM_000193.4(SHH):c.-3226_301-2327del

Gene: SHH (sonic hedgehog signaling molecule; minus strand). Cytogenetic location: 7q36.3.
Variant type: Deletion.
Coding change: c.-3226_301-2327del on transcript NM_000193.4 (MANE Select); 3226 bases upstream of the start codon through 2327 bases into the intron before coding-DNA position 301, 6,465 bases deleted.
Molecular consequence: splice donor variant, initiator codon variant.
Genome position (GRCh38, 1-based): chr7:155,808,884-155,815,348, 6,465 bases deleted. GRCh37 (hg19): chr7:155,601,578-155,608,042.
Identifiers: ClinVar variation 2500696 (VCV002500696.2), ClinGen allele CA2580077757.

ClinVar aggregate classification (germline): Likely pathogenic (1 of 4 stars; one submission).

Conditions:
Holoprosencephaly 3 (HPE3). Identifiers: Orphanet 2162, MedGen C1840529, MONDO:0007733, OMIM 142945.

Submission:

Victorian Clinical Genetics Services, Murdoch Childrens Research Institute
Classification: Likely pathogenic for Holoprosencephaly 3. Review status: criteria provided, single submitter. Criteria: ACMG Guidelines, 2015. Collection method: clinical testing. Allele origin: maternal. Affected: yes.
Comment: Evidence in support of pathogenic classification: - Variant is predicted to result in a loss of the canonical translation initiation codon (ATG). - Variant is absent from gnomAD (both v2 and v3). - Variant is located in a gene associated with a severe early-onset dominant condition that is intolerant to loss of function variants (gnomAD). - Other null variants comparable to the one identified in this case have very strong previous evidence for pathogenicity. However, no other start-loss variants have been previously described (Decipher, ClinVar). Additional information: - Loss of function is a known mechanism of disease in this gene and is associated with holoprosencephaly 3 (MIM#142945). - This gene is associated with autosomal dominant disease. - Variants in this gene are known to have variable expressivity. Mosaicism in apparently asymptomatic parents has been described (PMID: 22791840, 30197418). - This variant is non-coding in an alternative transcript. However, it is coding in the longest and ClinVar’s predominant transcript, while affecting the 5’ UTR in the others. In addition, this transcript is highly expressed compared to others (UCSC, GTEx). - This variant is heterozygous. - This variant has no previous evidence of pathogenicity. This includes any start-loss or copy number variants spanning Exon 1. - No published segregation evidence has been identified for this variant. - No published functional evidence has been identified for this variant.